The following is an entry in ClinVar:

NM_000341.4(SLC3A1):c.1603_1604del (p.Thr535fs)

Gene: SLC3A1 (solute carrier family 3 member 1; plus strand). Cytogenetic location: 2p21.
Variant type: Microsatellite.
Coding change: c.1603_1604del on transcript NM_000341.4 (MANE Select); coding-DNA positions 1603 to 1604, 2 bases deleted (AC; older notation c.1603_1604delAC).
Protein change: p.Thr535fs; shifts the reading frame from threonine 535.
Molecular consequence: frameshift variant.
Genome position (GRCh38, 1-based): chr2:44,313,937-44,313,938, AC deleted; deleting any 2 consecutive bases within chr2:44,313,934-44,313,938 gives the same sequence; the c. name uses the placement nearest the transcript's 3' end. VCF-style (leftmost placement, unchanged base first): chr2-44313933-CCA-C. GRCh37 (hg19) VCF-style: chr2-44541072-CCA-C.
Other names: short protein forms T535fs.
Identifiers: ClinVar variation 858369 (VCV000858369.10), dbSNP rs767801148, ClinGen allele CA1640646.

ClinVar aggregate classification (germline): Pathogenic/Likely pathogenic. Review status: criteria provided, multiple submitters, no conflicts (2 of 4 stars). 2 submissions from 2 submitters: Pathogenic (1); Likely pathogenic (1). Last evaluated 2024-08-16.

Conditions:
Cystinuria (CSNU). Also called: Cystinuria, non-type I; CYSTINURIA, TYPE I; CYSTINURIA, TYPE II; CYSTINURIA, TYPE III. Identifiers: Orphanet 214, MedGen C0010691, MONDO:0009067, OMIM 220100, HP:0003131.

Submissions (2):

Labcorp Genetics (formerly Invitae), Labcorp
Classification: Pathogenic for Cystinuria. Last evaluated: 2024-08-16. Review status: criteria provided, single submitter. Criteria: Invitae Variant Classification Sherloc (09022015). Collection method: clinical testing. Allele origin: germline.
Comment: This sequence change creates a premature translational stop signal (p.Thr535Cysfs*4) in the SLC3A1 gene. While this is not anticipated to result in nonsense mediated decay, it is expected to disrupt the last 151 amino acid(s) of the SLC3A1 protein. This variant is present in population databases (rs767801148, gnomAD 0.002%). This premature translational stop signal has been observed in individual(s) with cystinuria (PMID: 10738006). ClinVar contains an entry for this variant (Variation ID: 858369). This variant disrupts a region of the SLC3A1 protein in which other variant(s) (p.Glu585Alafs*24) have been determined to be pathogenic (PMID: 28717662; Invitae). This suggests that this is a clinically significant region of the protein, and that variants that disrupt it are likely to be disease-causing. For these reasons, this variant has been classified as Pathogenic.

Fulgent Genetics
Classification: Likely pathogenic for Cystinuria. Last evaluated: 2021-12-14. Review status: criteria provided, single submitter. Criteria: ACMG Guidelines, 2015. Collection method: clinical testing. Allele origin: unknown.

Literature cited by the submitters: PubMed 10738006 (cited by Labcorp Genetics (formerly Invitae), Labcorp); PubMed 28717662 (cited by Labcorp Genetics (formerly Invitae), Labcorp).